The following is an entry in ClinVar:

NM_024675.4(PALB2):c.444G>C (p.Lys148Asn)

Gene: PALB2 (partner and localizer of BRCA2; minus strand). Cytogenetic location: 16p12.2.
Variant type: single nucleotide variant.
Coding change: c.444G>C on transcript NM_024675.4 (MANE Select); coding-DNA position 444, G replaced by C.
Protein change: p.Lys148Asn; replaces lysine 148 with asparagine.
Molecular consequence: missense variant.
Genome position (GRCh38, 1-based): chr16:23,636,102, C>G on the plus strand (G>C on the coding strand, the complement: PALB2 is on the minus strand). VCF-style: chr16-23636102-C-G. GRCh37 (hg19) VCF-style: chr16-23647423-C-G.
Other names: short protein forms K148N.
Identifiers: ClinVar variation 410181 (VCV000410181.16), dbSNP rs1060502782, ClinGen allele CA16615121.
Genomic context (GRCh38, chr16:23,636,102, plus strand): 5'-TGAATCAGTGCCAAAGACACAGTCTCTCTCCTGTGAAATAAATGTCCTCTTCTGCTGCTT[C>G]TTTCTTCTGCTTGGCAGCTTCTGCTTTTGCTCACCACTAGGGTCACTGACCCTGTGGGGA-3'
Protein context (NP_078951.2, residues 138-158): EQKQKLPSRR[Lys148Asn]KQQKRTFISQ

ClinVar aggregate classification (germline): Uncertain significance. Review status: criteria provided, multiple submitters, no conflicts (2 of 4 stars). 3 submissions from 3 submitters: Uncertain significance (3). Last evaluated 2025-07-28.

Conditions:
Familial cancer of breast. Also called: BREAST CANCER, FAMILIAL; Hereditary breast cancer; hereditary breast carcinoma. Identifiers: Orphanet 227535, MedGen C0346153, MONDO:0016419, OMIM 114480. Disease mechanism: loss of function.
Hereditary cancer-predisposing syndrome. Also called: Tumor predisposition; Hereditary Cancer Syndrome; Hereditary neoplastic syndrome; Neoplastic Syndromes, Hereditary. Identifiers: Orphanet 140162, MedGen C0027672, MeSH D009386, MONDO:0015356.

Allele frequency attached by ClinVar (database versions not stated): gnomAD exomes below 0.00001.
gnomAD v4.1: 1 of 1,613,792 alleles (0.000062%); highest among the groups gnomAD compares: South Asian, 0.0011%; no homozygotes.

Submissions (3):

Ambry Genetics
Classification: Uncertain significance for Hereditary cancer-predisposing syndrome. Last evaluated: 2025-07-28. Review status: criteria provided, single submitter. Criteria: Ambry Variant Classification Scheme 2023. Collection method: clinical testing. Allele origin: germline.
Comment: The p.K148N variant (also known as c.444G>C), located in coding exon 4 of the PALB2 gene, results from a G to C substitution at nucleotide position 444. The lysine at codon 148 is replaced by asparagine, an amino acid with similar properties. This amino acid position is conserved. In addition, this alteration is predicted to be tolerated by in silico analysis. Since supporting evidence is limited at this time, the clinical significance of this alteration remains unclear.

Labcorp Genetics (formerly Invitae), Labcorp
Classification: Uncertain significance for Familial cancer of breast. Last evaluated: 2025-06-09. Review status: criteria provided, single submitter. Criteria: Invitae Variant Classification Sherloc (09022015). Collection method: clinical testing. Allele origin: germline.
Comment: This sequence change replaces lysine, which is basic and polar, with asparagine, which is neutral and polar, at codon 148 of the PALB2 protein (p.Lys148Asn). This variant is not present in population databases (gnomAD no frequency). This variant has not been reported in the literature in individuals affected with PALB2-related conditions. ClinVar contains an entry for this variant (Variation ID: 410181). An algorithm developed to predict the effect of missense changes on protein structure and function (PolyPhen-2) suggests that this variant is likely to be tolerated. In summary, the available evidence is currently insufficient to determine the role of this variant in disease. Therefore, it has been classified as a Variant of Uncertain Significance.

Color Diagnostics, LLC DBA Color Health
Classification: Uncertain significance for Hereditary cancer-predisposing syndrome. Last evaluated: 2023-12-05. Review status: criteria provided, single submitter. Criteria: ACMG Guidelines, 2015. Collection method: clinical testing. Allele origin: germline.
Comment: This missense variant replaces lysine with asparagine at codon 148 of the PALB2 protein. Computational prediction suggests that this variant may not impact protein structure and function (internally defined REVEL score threshold <= 0.5, PMID: 27666373). To our knowledge, functional studies have not been reported for this variant. This variant has not been reported in individuals affected with PALB2-related disorders in the literature. This variant has not been identified in the general population by the Genome Aggregation Database (gnomAD). The available evidence is insufficient to determine the role of this variant in disease conclusively. Therefore, this variant is classified as a Variant of Uncertain Significance.